The following is an entry in ClinVar:

NM_007294.4(BRCA1):c.2981del (p.Cys994fs)

Gene: BRCA1 (BRCA1 DNA repair associated; minus strand). Cytogenetic location: 17q21.31.
Variant type: Deletion.
Coding change: c.2981del on transcript NM_007294.4 (MANE Select); coding-DNA position 2981, one base deleted (G; older notation c.2981delG).
Protein change: p.Cys994fs; shifts the reading frame from cysteine 994.
Molecular consequence: frameshift variant. On other transcripts: intron variant (137).
Genome position (GRCh38, 1-based): chr17:43,092,550, C deleted on the plus strand (G on the coding strand, the reverse complement: BRCA1 is on the minus strand). VCF-style (leftmost placement, unchanged base first): chr17-43092549-AC-A. GRCh37 (hg19) VCF-style: chr17-41244566-AC-A.
Other names: 3100delG; c.2978del, p.Cys993fs (NM_001407612.1, NM_001407613.1, NM_001407614.1 and 22 more transcripts); c.2981del, p.Cys994fs (NM_001407616.1, NM_001407617.1, NM_001407618.1 and 30 more transcripts); c.2972del, p.Cys991fs (NM_001407646.1, NM_001407647.1); c.2858del, p.Cys953fs (NM_001407648.1, NM_001407664.1, NM_001407665.1 and 19 more transcripts); c.2855del, p.Cys952fs (NM_001407649.1, NM_001407670.1, NM_001407671.1 and 11 more transcripts); c.2903del, p.Cys968fs (NM_001407653.1, NM_001407654.1, NM_001407655.1 and 4 more transcripts); c.2900del, p.Cys967fs (NM_001407659.1, NM_001407660.1, NM_001407661.1 and 1 more transcripts); and 43 more; short protein forms C994fs, C947fs, C924fs, C953fs, C993fs, C826fs, C923fs, C698fs.
Identifiers: ClinVar variation 266326 (VCV000266326.7), dbSNP rs886040091, ClinGen allele CA10589790.

ClinVar aggregate classification (germline): Pathogenic. Review status: reviewed by expert panel (3 of 4 stars). 2 submissions from 2 submitters: Pathogenic (1). 1 of the submissions does not count toward it. Last evaluated 2016-10-18.

Conditions:
Breast-ovarian cancer, familial, susceptibility to, 1 (BROVCA1). Also called: BRCA1 Hereditary Breast and Ovarian Cancer; OVARIAN CANCER, SUSCEPTIBILITY TO. Identifiers: Orphanet 145, MedGen C2676676, MONDO:0011450, OMIM 604370. Disease mechanism: loss of function.

Submissions (2):

Evidence-based Network for the Interpretation of Germline Mutant Alleles (ENIGMA)
Classification: Pathogenic for Breast-ovarian cancer, familial, susceptibility to, 1. Last evaluated: 2016-10-18. Review status: reviewed by expert panel. Criteria: ENIGMA BRCA1/2 Classification Criteria (2015). Collection method: curation. Allele origin: germline.
Comment: Variant allele predicted to encode a truncated non-functional protein.

Consortium of Investigators of Modifiers of BRCA1/2 (CIMBA), c/o University of Cambridge
Classification: Pathogenic for Breast-ovarian cancer, familial, susceptibility to, 1. Last evaluated: 2015-10-02. Review status: criteria provided, single submitter. Criteria: CIMBA Mutation Classification guidelines May 2016. Collection method: clinical testing. Allele origin: germline. Not counted in ClinVar's aggregate classification.